The following is an entry in ClinVar:

ClinVar aggregate classification (germline): Conflicting classifications of pathogenicity. Review status: criteria provided, conflicting classifications (1 of 4 stars). 7 submissions from 7 submitters: Uncertain significance (5); Likely benign (1). 1 of the submissions does not count toward it. Last evaluated 2026-05-08.

Conditions:
PKD1-related disorder. Also called: PKD1-related condition.
Polycystic kidney disease. Also called: Kidney, Polycystic; Polycystic kidney dysplasia. Identifiers: MedGen C0022680, MeSH D007690, MONDO:0020642, HP:0000113.
Inborn genetic diseases. Identifiers: MedGen C0950123, MeSH D030342.

Allele frequency attached by ClinVar (database versions not stated): ESP Exome Variant Server 0.00016; gnomAD 0.00005; TOPMed 0.00006; gnomAD exomes 0.00010 and 0.00012; ExAC 0.00012.
gnomAD v4.1: 176 of 1,593,174 alleles (0.011%); highest among the groups gnomAD compares: Middle Eastern, 0.069%; no homozygotes.

Submissions (7):

Women's Health and Genetics/Laboratory Corporation of America, LabCorp
Classification: Uncertain significance. Last evaluated: 2026-05-08. Review status: criteria provided, single submitter. Criteria: LabCorp Variant Classification Summary - May 2015. Collection method: clinical testing. Allele origin: germline.
Comment: Variant summary: PKD1 c.8191G>A (p.Val2731Met) results in a conservative amino acid change in the encoded protein sequence. Algorithms developed to predict the effect of missense changes on protein structure and function all suggest that this variant is likely to be tolerated. The variant allele was found at a frequency of 0.0001 in 240580 control chromosomes (gnomAD). This frequency is not significantly higher than estimated for disease-causing variants in PKD1, allowing no conclusion about variant significance. c.8191G>A has been observed in at least one individual affected with autosomal dominant Polycystic Kidney Disease (example: Garcia Rabaneda_2024). This report does not provide unequivocal conclusions about association of the variant with PKD1-related conditions. To our knowledge, no experimental evidence demonstrating an impact on protein function has been reported. The following publication has been ascertained in the context of this evaluation (PMID: 38541974). ClinVar contains an entry for this variant (Variation ID: 997193). Based on the evidence outlined above, the variant was classified as uncertain significance.

PreventionGenetics, part of Exact Sciences
Classification: Uncertain significance for PKD1-related condition. Last evaluated: 2025-04-09. Review status: criteria provided, single submitter. Criteria: ACMG Guidelines, 2015. Collection method: clinical testing. Allele origin: germline.
Comment: The PKD1 c.8191G>A variant is predicted to result in the amino acid substitution p.Val2731Met. This variant was reported as a variant of unknown significance (VUS) in an individual with autosomal dominant polycystic kidney disease (ADPKD) (García Rabaneda et al. 2024. PubMed ID: 38541974). This variant is reported in 0.013% of alleles in individuals of South Asian descent in gnomAD. The p.Val2731 residue is weakly conserved and at this position is a methionine (Met) in rat and mouse. Although we suspect that this variant could be benign, at this time, the clinical significance of this variant is uncertain due to the absence of conclusive functional and genetic evidence.

CeGaT Center for Human Genetics Tuebingen
Classification: Uncertain significance. Last evaluated: 2024-12-01. Review status: criteria provided, single submitter. Criteria: CeGaT Center For Human Genetics Tuebingen Variant Classification Criteria Version 2. Collection method: clinical testing. Allele origin: germline. Affected: yes. Observed: 2 variant alleles.
Comment: PKD1: PM2, BP4

Genetic Services Laboratory, University of Chicago
Classification: Uncertain significance. Last evaluated: 2024-11-25. Review status: criteria provided, single submitter. Criteria: ACMG Guidelines, 2015. Collection method: clinical testing. Allele origin: germline. Affected: no.
Comment: DNA sequence analysis of the PKD1 gene demonstrated a sequence change, c.8191G>A, in exon 23 that results in an amino acid change, p.Val2731Met. This sequence change does not appear to have been previously described in individuals with PKD1-related disorders. This sequence change has been described in the gnomAD database with a frequency of 0.013% in the South Asian subpopulation (dbSNP rs138906895). The p.Val2731Met change affects a poorly conserved amino acid residue located in a domain of the PKD1 protein that is known to be functional. The p.Val2731Met substitution appears to be benign using several in-silico pathogenicity prediction tools (SIFT, PolyPhen2, Align GVGD, REVEL). Due to insufficient evidences and the lack of functional studies, the clinical significance of the p.Val2731Met change remains unknown at this time.

Blueprint Genetics
Classification: Likely benign. Last evaluated: 2024-04-22. Review status: criteria provided, single submitter. Criteria: ACMG Guidelines, 2015. Collection method: clinical testing. Allele origin: germline.

Ambry Genetics
Classification: Uncertain significance for Inborn genetic diseases. Last evaluated: 2023-12-18. Review status: criteria provided, single submitter. Criteria: Ambry Variant Classification Scheme 2023. Collection method: clinical testing. Allele origin: germline.

Department of Pathology and Laboratory Medicine, Sinai Health System
Classification: Uncertain significance for Polycystic Kidney disease. Review status: no assertion criteria provided. Collection method: clinical testing. Allele origin: unknown. Affected: yes. Study: The Canadian Open Genetics Repository (COGR). Not counted in ClinVar's aggregate classification.
Comment: The PKD1 p.Val2731Met variant was not identified in the literature nor was it identified in the ClinVar, COGR, LOVD 3.0, ADPKD Mutation Database, or PKD1-LOVD databases. The variant was identified in dbSNP (ID: rs138906895). The variant was identified in control databases in 22 of 237680 chromosomes at a frequency of 0.00009 (Genome Aggregation Database Feb 27, 2017). The variant was observed in the following populations: African in 1 of 14402 chromosomes (freq: 0.00007), Other in 1 of 5336 chromosomes (freq: 0.0001), Latino in 4 of 32982 chromosomes (freq: 0.0001), European in 9 of 106836 chromosomes (freq: 0.00008), East Asian in 2 of 16820 chromosomes (freq: 0.0001), Finnish in 1 of 21386 chromosomes (freq: 0.00005), and South Asian in 4 of 30278 chromosomes (freq: 0.0001), while the variant was not observed in the Ashkenazi Jewish population. In addition we cannot be certain that data from control databases is specific to PKD1 and not from one of the six PKD1 pseudogenes. The p.Val2731 residue is not conserved in mammals and computational analyses (PolyPhen-2, SIFT, AlignGVGD, BLOSUM, MutationTaster) do not suggest a high likelihood of impact to the protein; however, this information is not predictive enough to rule out pathogenicity. The variant occurs outside of the splicing consensus sequence and 2 of 4 in silico or computational prediction software programs (SpliceSiteFinder, MaxEntScan, NNSPLICE, GeneSplicer) predict a greater than 10% difference in splicing; this is not very predictive of pathogenicity. In summary, based on the above information the clinical significance of this variant cannot be determined with certainty at this time. This variant is classified as a variant of uncertain significance.

Literature cited by the submitters: PubMed 38541974 (cited by Women's Health and Genetics/Laboratory Corporation of America, LabCorp).

NM_001009944.3(PKD1):c.8191G>A (p.Val2731Met)

Gene: PKD1 (polycystin 1, transient receptor potential channel interacting; minus strand). Cytogenetic location: 16p13.3.
Variant type: single nucleotide variant.
Coding change: c.8191G>A on transcript NM_001009944.3 (MANE Select); coding-DNA position 8191, G replaced by A.
Protein change: p.Val2731Met; replaces valine 2731 with methionine.
Molecular consequence: missense variant.
Genome position (GRCh38, 1-based): chr16:2,103,866, C>T on the plus strand (G>A on the coding strand, the complement: PKD1 is on the minus strand). VCF-style: chr16-2103866-C-T. GRCh37 (hg19) VCF-style: chr16-2153867-C-T.
Other names: c.8191G>A (NM_000296.3, NM_001009944.2); c.8191G>A, p.Val2731Met (NM_000296.4); short protein forms V2731M.
Identifiers: ClinVar variation 997193 (VCV000997193.30), dbSNP rs138906895, ClinGen allele CA7830620.
Genomic context (GRCh38, chr16:2,103,866, plus strand): 5'-GGGACGCCACCATCCGAGATGGTGACTCGGCTCCCAGCTCTGAGGGCTGTGGTGCCCGCA[C>T]GTCCGAGCTGGCCAGGTGGATGAGGTCTCCTGCAGACATGCGTGAGGTCAGTGCAGAGAC-3'
Protein context (NP_001009944.3, residues 2721-2741): GDLIHLASSD[Val2731Met]RAPQPSELGA